The following is an entry in ClinVar:

ClinVar aggregate classification (germline): Pathogenic/Likely pathogenic. Review status: criteria provided, multiple submitters, no conflicts (2 of 4 stars). 3 submissions from 3 submitters: Pathogenic (1); Likely pathogenic (2). Last evaluated 2026-09-08.

Conditions:
Fabry disease. Also called: Fabry's disease; Angiokeratoma corporis diffusum; CERAMIDE TRIHEXOSIDASE DEFICIENCY; GLA DEFICIENCY; HEREDITARY DYSTOPIC LIPIDOSIS; ALPHA-GALACTOSIDASE A DEFICIENCY. Identifiers: Orphanet 324, MedGen C0002986, MONDO:0010526, OMIM 301500, HP:0001071. Disease mechanism: loss of function, Fabry disease is due to inactivating mutations in the X-linked GLA gene resulting in deficiency of the enzyme Alpha Galactosidase-A..

Submissions (3):

Genomenon, Inc
Classification: Pathogenic for Fabry disease. Last evaluated: 2026-09-08. Review status: criteria provided, single submitter. Criteria: Genomenon Sequence Variant Interpretation Standards - Updated. Collection method: curation. Allele origin: germline. Affected: yes.
Comment: GLA p.Ala230Thr (c.688G>A) is a missense variant that changes the amino acid at codon 230 from Alanine to Threonine. This variant has been observed in at least one proband with clinical features consistent with Fabry disease (PMID:30386727;10916280;17224688). At least one functional study has demonstrated a substantial alteration in protein function relative to the wild-type (PMID:32023956;22004918;27657681). This variant is located in a mutational hotspot and/or important functional domain. It is absent or not present at a significant frequency in gnomAD. In conclusion, we classify GLA p.Ala230Thr (c.688G>A) as a pathogenic variant.

Women's Health and Genetics/Laboratory Corporation of America, LabCorp
Classification: Likely pathogenic for Fabry disease. Last evaluated: 2019-01-04. Review status: criteria provided, single submitter. Criteria: LabCorp Variant Classification Summary - May 2015. Collection method: clinical testing. Allele origin: germline.
Comment: Variant summary: The variant, GLA c.688G>A (p.Ala230Thr) results in a non-conservative amino acid change in the encoded protein sequence. Three of five in-silico tools predict a benign effect of the variant on protein function. The variant was absent in 178773 control chromosomes (gnomAD) and has been reported in the literature in individuals affected with Fabry Disease (Prolla_2000, Sakuraba_2018). These data indicate that the variant may be associated with disease. At least two publications report experimental evidence evaluating an impact on protein function (Andreotti_2011, Prolla_2000). The most pronounced variant effect results in <10% of normal activity. No clinical diagnostic laboratories have submitted clinical-significance assessments for this variant to ClinVar after 2014. Based on the evidence outlined above, the variant was classified as likely pathogenic.

Centre for Mendelian Genomics, University Medical Centre Ljubljana
Classification: Likely pathogenic for Fabry disease. Last evaluated: 2018-11-05. Review status: criteria provided, single submitter. Criteria: ACMG Guidelines, 2015. Collection method: clinical testing. Allele origin: unknown. Affected: yes.
Comment: This variant was classified as: Likely pathogenic. The following ACMG criteria were applied in classifying this variant: PP2,PM2,PP5,PM1.

Literature cited by the submitters: PubMed 30386727 (cited by Genomenon, Inc); PubMed 10916280 (cited by Genomenon, Inc and Women's Health and Genetics/Laboratory Corporation of America, LabCorp); PubMed 17224688 (cited by Genomenon, Inc); PubMed 32023956 (cited by Genomenon, Inc); PubMed 22004918 (cited by Genomenon, Inc); PubMed 27657681 (cited by Genomenon, Inc).

NM_000169.3(GLA):c.688G>A (p.Ala230Thr)

Genes: GLA (galactosidase alpha; minus strand), RPL36A-HNRNPH2 (RPL36A-HNRNPH2 readthrough; plus strand). Cytogenetic location: Xq22.1.
Variant type: single nucleotide variant.
Coding change: c.688G>A on transcript NM_000169.3 (MANE Select); coding-DNA position 688, G replaced by A.
Protein change: p.Ala230Thr; replaces alanine 230 with threonine.
Molecular consequence: missense variant. On other transcripts: non-coding transcript variant (3), intron variant (2).
Genome position (GRCh38, 1-based): chrX:101,398,898, C>T on the plus strand (G>A on the coding strand, the complement: GLA is on the minus strand). VCF-style: chrX-101398898-C-T. GRCh37 (hg19) VCF-style: chrX-100653886-C-T.
Other names: c.811G>A, p.Ala271Thr (NM_001406747.1); c.688G>A, p.Ala230Thr (NM_001406748.1); c.300+3441C>T (NM_001199973.2); c.177+7076C>T (NM_001199974.2); short protein forms A230T, A271T.
Identifiers: ClinVar variation 928487 (VCV000928487.6), dbSNP rs1928195468, ClinGen allele CA413924824.